The following is an entry in ClinVar:

ClinVar aggregate classification (germline): Uncertain significance (1 of 4 stars; one submission).

gnomAD v4.1: 1 of 1,614,202 alleles (0.000062%); highest among the groups gnomAD compares: Non-Finnish European, 0.000085%; no homozygotes.

Submission:

GeneDx
Classification: Uncertain significance. Last evaluated: 2025-06-27. Review status: criteria provided, single submitter. Criteria: GeneDx Variant Classification Process June 2021. Collection method: clinical testing. Allele origin: germline. Affected: yes.
Comment: Not observed at significant frequency in large population cohorts (gnomAD); In silico analysis supports that this missense variant has a deleterious effect on protein structure/function; Has not been previously published as pathogenic or benign to our knowledge

NM_016816.4(OAS1):c.992G>T (p.Cys331Phe)

Gene: OAS1 (2'-5'-oligoadenylate synthetase 1; plus strand). Cytogenetic location: 12q24.13.
Variant type: single nucleotide variant.
Coding change: c.992G>T on transcript NM_016816.4 (MANE Select); coding-DNA position 992, G replaced by T.
Protein change: p.Cys331Phe; replaces cysteine 331 with phenylalanine.
Molecular consequence: missense variant. On other transcripts: non-coding transcript variant (9).
Genome position (GRCh38, 1-based): chr12:112,917,654, G>T. VCF-style: chr12-112917654-G-T. GRCh37 (hg19) VCF-style: chr12-113355459-G-T.
Other names: c.968G>T, p.Cys323Phe (NM_001406025.1, NM_001406020.1, NM_001406021.1 and 2 more transcripts); c.518G>T, p.Cys173Phe (NM_001406026.1, NM_001406027.1, NM_001406029.1 and 1 more transcripts); c.992G>T, p.Cys331Phe (NM_002534.4, NM_001032409.3, NM_001320151.2 and 1 more transcripts); short protein forms C173F, C323F, C331F.
Identifiers: ClinVar variation 4539936 (VCV004539936.1).